The following is an entry in ClinVar:

ClinVar aggregate classification (germline): Conflicting classifications of pathogenicity. Review status: criteria provided, conflicting classifications (1 of 4 stars). 6 submissions from 6 submitters: Likely pathogenic (1); Uncertain significance (4). 1 of the submissions does not count toward it. Last evaluated 2026-09-11.

Conditions:
Idiopathic Pulmonary Fibrosis. Also called: Idiopathic fibrosing alveolitis, chronic form; idiopathic fibrosing alveolitis. Identifiers: Orphanet 2032, MedGen C1800706, MeSH D054990, MONDO:0800504.
Dyskeratosis congenita, autosomal dominant 2. Identifiers: MedGen C3151443, MONDO:0013521, OMIM 613989.
Pulmonary fibrosis. Identifiers: MedGen C0034069, MONDO:0002771, HP:0002206.
Dyskeratosis congenita. Identifiers: Orphanet 1775, MedGen C0265965, MONDO:0015780.

Allele frequency attached by ClinVar (database versions not stated): gnomAD exomes below 0.00001.
gnomAD v4.1: 3 of 1,613,100 alleles (0.00019%); highest among the groups gnomAD compares: Non-Finnish European, 0.00025%; no homozygotes.

Submissions (6):

Ambry Genetics
Classification: Likely pathogenic for Dyskeratosis congenita. Last evaluated: 2026-09-11. Review status: criteria provided, single submitter. Criteria: Ambry Variant Classification Scheme 2023. Collection method: clinical testing. Allele origin: germline.
Comment: The p.G861R variant (also known as c.2581G>A), located in coding exon 9 of the TERT gene, results from a G to A substitution at nucleotide position 2581. The glycine at codon 861 is replaced by arginine, an amino acid with dissimilar properties. This variant was reported in individual(s) with features consistent with TERT-related disorder (Diaz de Leon A et al. Chest, 2011 Sep;140:753-763; Vulliamy TJ et al. PLoS One, 2011 Sep;6:e24383; Norris K et al. Hum Genet, 2021 Jun;140:945-955; Zhang D et al. Eur Respir J, 2022 Dec;60:; Ambry internal data). Functional studies suggest that the variant results in reduced telomerase activity; however, additional evidence is needed to confirm this finding (Vulliamy TJ et al. PLoS One, 2011 Sep;6:e24383). This amino acid position is highly conserved in available vertebrate species. In addition, this alteration is predicted to be deleterious by in silico analysis. This variant is considered to be rare based on population cohorts in the Genome Aggregation Database (gnomAD). Based on the majority of available evidence to date, this variant is likely to be pathogenic.

Women's Health and Genetics/Laboratory Corporation of America, LabCorp
Classification: Uncertain significance. Last evaluated: 2025-02-13. Review status: criteria provided, single submitter. Criteria: LabCorp Variant Classification Summary - May 2015. Collection method: clinical testing. Allele origin: germline.
Comment: Variant summary: TERT c.2581G>A (p.Gly861Arg) results in a non-conservative amino acid change located in the Reverse transcriptase (RT) catalytic domain profile (IPR000477) of the encoded protein sequence. Four of five in-silico tools predict a damaging effect of the variant on protein function. Several computational tools predict a significant impact on normal splicing: Two predict the variant creates a cryptic 3' acceptor site. However, these predictions have yet to be confirmed by functional studies. The variant was absent in 250034 control chromosomes. c.2581G>A has been reported in the literature in multiple heterozygous individuals affected with TERT-related disorders, including dyskeratosis congenita, bone marrow failure syndrome, and telomere-related pulmonary fibrosis (example: Vulliamy_2011, Diaz de Leon_2011, Schratz_2020, Norris_2021, Zhang_2022, Tummala_2024). At-least one of these individuals inherited the variant from an asymptomatic mother (Vulliamy_2011). These data do not allow any conclusion about variant significance. One publication reports experimental evidence evaluating an impact on protein function. Specifically, an in vitro TRAP assay was utilized to measure residual telomerase activity and this variant showed a significantly reduced telomerase activity level at 1.0% of wild type (example: Vulliamy_2011). The following publications have been ascertained in the context of this evaluation (PMID: 21349926, 33709208, 32076714, 39198715, 21931702, 36028256). ClinVar contains an entry for this variant (Variation ID: 471871). Based on the evidence outlined above, the variant was classified as uncertain significance.

Labcorp Genetics (formerly Invitae), Labcorp
Classification: Uncertain significance for Dyskeratosis congenita, autosomal dominant 2; Idiopathic Pulmonary Fibrosis. Last evaluated: 2024-01-18. Review status: criteria provided, single submitter. Criteria: Invitae Variant Classification Sherloc (09022015). Collection method: clinical testing. Allele origin: germline.
Comment: This sequence change replaces glycine, which is neutral and non-polar, with arginine, which is basic and polar, at codon 861 of the TERT protein (p.Gly861Arg). This variant is not present in population databases (gnomAD no frequency). This missense change has been observed in individual(s) with familial pulmonary fibrosis and dyskeratosis congenita (PMID: 21349926, 21931702). ClinVar contains an entry for this variant (Variation ID: 471871). An algorithm developed to predict the effect of missense changes on protein structure and function (PolyPhen-2) suggests that this variant is likely to be disruptive. Experimental studies have shown that this missense change affects TERT function (PMID: 21931702). In summary, the available evidence is currently insufficient to determine the role of this variant in disease. Therefore, it has been classified as a Variant of Uncertain Significance.

GeneDx
Classification: Uncertain significance. Last evaluated: 2023-02-21. Review status: criteria provided, single submitter. Criteria: GeneDx Variant Classification Process June 2021. Collection method: clinical testing. Allele origin: germline. Affected: yes.
Comment: Not observed at significant frequency in large population cohorts (gnomAD); In silico analysis supports that this missense variant has a deleterious effect on protein structure/function; Published functional studies demonstrate reduced telomerase activity compared to wild type (Vulliamy et al., 2011); This variant is associated with the following publications: (PMID: 21349926, 21931702)

Blueprint Genetics
Classification: Uncertain significance. Last evaluated: 2023-01-03. Review status: criteria provided, single submitter. Criteria: ACMG Guidelines, 2015. Collection method: clinical testing. Allele origin: germline.

Garcia Pulmonary Genetics Research Laboratory, Columbia University Irving Medical Center
Classification: Likely risk allele for Pulmonary fibrosis. Last evaluated: 2022-06-09. Review status: no assertion criteria provided. Collection method: research. Allele origin: germline. Affected: yes. Not counted in ClinVar's aggregate classification.
Comment: Leukocyte telomere length (by qPCR) less than 10th percentile age-adjusted

Literature cited by the submitters: PubMed 21349926 (cited by 3 submitters); PubMed 21931702 (cited by 3 submitters); PubMed 33709208 (cited by Ambry Genetics and Women's Health and Genetics/Laboratory Corporation of America, LabCorp); PubMed 36028256 (cited by Ambry Genetics and Women's Health and Genetics/Laboratory Corporation of America, LabCorp); PubMed 39198715 (cited by Women's Health and Genetics/Laboratory Corporation of America, LabCorp); PubMed 28192371 (cited by Women's Health and Genetics/Laboratory Corporation of America, LabCorp); PubMed 32076714 (cited by Women's Health and Genetics/Laboratory Corporation of America, LabCorp).

NM_198253.3(TERT):c.2581G>A (p.Gly861Arg)

Gene: TERT (telomerase reverse transcriptase; minus strand). Cytogenetic location: 5p15.33.
Variant type: single nucleotide variant.
Coding change: c.2581G>A on transcript NM_198253.3 (MANE Select); coding-DNA position 2581, G replaced by A.
Protein change: p.Gly861Arg; replaces glycine 861 with arginine.
Molecular consequence: missense variant. On other transcripts: non-coding transcript variant (2).
Genome position (GRCh38, 1-based): chr5:1,268,521, C>T on the plus strand (G>A on the coding strand, the complement: TERT is on the minus strand). VCF-style: chr5-1268521-C-T. GRCh37 (hg19) VCF-style: chr5-1268636-C-T.
Other names: p.Gly861Arg; c.2581G>A, p.Gly861Arg (NM_001193376.3); short protein forms G861R.
Identifiers: ClinVar variation 471871 (VCV000471871.38), dbSNP rs1554039721, ClinGen allele CA359074054.